The following is an entry in ClinVar:

ClinVar aggregate classification (germline): Uncertain significance. Review status: criteria provided, multiple submitters, no conflicts (2 of 4 stars). 2 submissions from 2 submitters: Uncertain significance (2). Last evaluated 2025-01-03.

Allele frequency attached by ClinVar (database versions not stated): ExAC 0.00001; gnomAD exomes 0.00004; gnomAD 0.00007; TOPMed 0.00007; ESP Exome Variant Server 0.00008.
gnomAD v4.1: 70 of 1,614,018 alleles (0.0043%); highest among the groups gnomAD compares: Middle Eastern, 0.017%; no homozygotes.

Submissions (2):

Ambry Genetics
Classification: Uncertain significance. Last evaluated: 2025-01-03. Review status: criteria provided, single submitter. Criteria: Ambry Variant Classification Scheme 2023. Collection method: clinical testing. Allele origin: germline.

Labcorp Genetics (formerly Invitae), Labcorp
Classification: Uncertain significance. Last evaluated: 2022-04-04. Review status: criteria provided, single submitter. Criteria: Invitae Variant Classification Sherloc (09022015). Collection method: clinical testing. Allele origin: germline.
Comment: In summary, the available evidence is currently insufficient to determine the role of this variant in disease. Therefore, it has been classified as a Variant of Uncertain Significance. Algorithms developed to predict the effect of missense changes on protein structure and function output the following: SIFT: "Deleterious"; PolyPhen-2: "Benign"; Align-GVGD: "Class C0". The methionine amino acid residue is found in multiple mammalian species, which suggests that this missense change does not adversely affect protein function. This variant has not been reported in the literature in individuals affected with BCAT2-related conditions. This variant is present in population databases (rs140816608, gnomAD 0.01%). This sequence change replaces threonine, which is neutral and polar, with methionine, which is neutral and non-polar, at codon 87 of the BCAT2 protein (p.Thr87Met).

NM_001190.4(BCAT2):c.260C>T (p.Thr87Met)

Gene: BCAT2 (branched chain amino acid transaminase 2; minus strand). Cytogenetic location: 19q13.33.
Variant type: single nucleotide variant.
Coding change: c.260C>T on transcript NM_001190.4 (MANE Select); coding-DNA position 260, C replaced by T.
Protein change: p.Thr87Met; replaces threonine 87 with methionine.
Molecular consequence: missense variant. On other transcripts: intron variant (1).
Genome position (GRCh38, 1-based): chr19:48,806,557, G>A on the plus strand (C>T on the coding strand, the complement: BCAT2 is on the minus strand). VCF-style: chr19-48806557-G-A. GRCh37 (hg19) VCF-style: chr19-49309814-G-A.
Other names: c.140C>T, p.Thr47Met (NM_001284325.2); c.24+4427C>T (NM_001164773.2); c.260C>T (NM_001190.3); short protein forms T47M, T87M.
Identifiers: ClinVar variation 2387821 (VCV002387821.7), dbSNP rs140816608, ClinGen allele CA9558486.